The following is an entry in ClinVar:

ClinVar aggregate classification (germline): Uncertain significance (1 of 4 stars; one submission).

Submission:

Labcorp Genetics (formerly Invitae), Labcorp
Classification: Uncertain significance. Last evaluated: 2022-02-19. Review status: criteria provided, single submitter. Criteria: Invitae Variant Classification Sherloc (09022015). Collection method: clinical testing. Allele origin: germline.
Comment: Algorithms developed to predict the effect of missense changes on protein structure and function are either unavailable or do not agree on the potential impact of this missense change (SIFT: "Deleterious"; PolyPhen-2: "Probably Damaging"; Align-GVGD: "Class C0"). This variant has not been reported in the literature in individuals affected with POLE-related conditions. This variant is not present in population databases (gnomAD no frequency). This sequence change replaces glutamic acid, which is acidic and polar, with glycine, which is neutral and non-polar, at codon 386 of the POLE protein (p.Glu386Gly). In summary, the available evidence is currently insufficient to determine the role of this variant in disease. Therefore, it has been classified as a Variant of Uncertain Significance.

NM_006231.4(POLE):c.1157A>G (p.Glu386Gly)

Gene: POLE (DNA polymerase epsilon, catalytic subunit; minus strand). Cytogenetic location: 12q24.33.
Variant type: single nucleotide variant.
Coding change: c.1157A>G on transcript NM_006231.4 (MANE Select); coding-DNA position 1157, A replaced by G.
Protein change: p.Glu386Gly; replaces glutamic acid 386 with glycine.
Molecular consequence: missense variant.
Genome position (GRCh38, 1-based): chr12:132,675,467, T>C on the plus strand (A>G on the coding strand, the complement: POLE is on the minus strand). VCF-style: chr12-132675467-T-C. GRCh37 (hg19) VCF-style: chr12-133252053-T-C.
Other names: short protein forms E386G.
Identifiers: ClinVar variation 1427892 (VCV001427892.8), dbSNP rs2136009041, ClinGen allele CA387360977.